The following is an entry in ClinVar:

NM_019096.5(GTPBP2):c.217A>G (p.Lys73Glu)

Gene: GTPBP2 (GTP binding protein 2; minus strand). Cytogenetic location: 6p21.1.
Variant type: single nucleotide variant.
Coding change: c.217A>G on transcript NM_019096.5 (MANE Select); coding-DNA position 217, A replaced by G.
Protein change: p.Lys73Glu; replaces lysine 73 with glutamic acid.
Molecular consequence: missense variant. On other transcripts: 5 prime UTR variant (1).
Genome position (GRCh38, 1-based): chr6:43,626,407, T>C on the plus strand (A>G on the coding strand, the complement: GTPBP2 is on the minus strand). VCF-style: chr6-43626407-T-C. GRCh37 (hg19) VCF-style: chr6-43594144-T-C.
Other names: c.-48A>G (NM_001286216.2); short protein forms K73E.
Identifiers: ClinVar variation 1392186 (VCV001392186.7), dbSNP rs2127844137, ClinGen allele CA364280575.

ClinVar aggregate classification (germline): Uncertain significance (1 of 4 stars; one submission).

Submission:

Labcorp Genetics (formerly Invitae), Labcorp
Classification: Uncertain significance. Last evaluated: 2022-08-10. Review status: criteria provided, single submitter. Criteria: Invitae Variant Classification Sherloc (09022015). Collection method: clinical testing. Allele origin: germline.
Comment: In summary, the available evidence is currently insufficient to determine the role of this variant in disease. Therefore, it has been classified as a Variant of Uncertain Significance. Algorithms developed to predict the effect of sequence changes on RNA splicing suggest that this variant may disrupt the consensus splice site. Algorithms developed to predict the effect of missense changes on protein structure and function are either unavailable or do not agree on the potential impact of this missense change (SIFT: "Deleterious"; PolyPhen-2: "Probably Damaging"; Align-GVGD: "Class C0"). ClinVar contains an entry for this variant (Variation ID: 1392186). This variant has not been reported in the literature in individuals affected with GTPBP2-related conditions. This variant is not present in population databases (gnomAD no frequency). This sequence change replaces lysine, which is basic and polar, with glutamic acid, which is acidic and polar, at codon 73 of the GTPBP2 protein (p.Lys73Glu).